The following is an entry in ClinVar:

ClinVar aggregate classification (germline): Uncertain significance (1 of 4 stars; one submission).

gnomAD v4.1: 1 of 1,210,477 alleles (0.000083%); highest among the groups gnomAD compares: Admixed American, 0.0022%; no homozygotes.

Submission:

Labcorp Genetics (formerly Invitae), Labcorp
Classification: Uncertain significance. Last evaluated: 2025-11-25. Review status: criteria provided, single submitter. Criteria: Invitae Variant Classification Sherloc (09022015). Collection method: clinical testing. Allele origin: germline.
Comment: This sequence change replaces phenylalanine, which is neutral and non-polar, with leucine, which is neutral and non-polar, at codon 42 of the RP2 protein (p.Phe42Leu). This variant is not present in population databases (gnomAD no frequency). This variant has not been reported in the literature in individuals affected with RP2-related conditions. Invitae Evidence Modeling of protein sequence and biophysical properties (such as structural, functional, and spatial information, amino acid conservation, physicochemical variation, residue mobility, and thermodynamic stability) indicates that this missense variant is not expected to disrupt RP2 protein function with a negative predictive value of 95%. In summary, the available evidence is currently insufficient to determine the role of this variant in disease. Therefore, it has been classified as a Variant of Uncertain Significance.

NM_006915.3(RP2):c.124T>C (p.Phe42Leu)

Gene: RP2 (RP2 activator of ARL3 GTPase; plus strand). Cytogenetic location: Xp11.3.
Variant type: single nucleotide variant.
Coding change: c.124T>C on transcript NM_006915.3 (MANE Select); coding-DNA position 124, T replaced by C.
Protein change: p.Phe42Leu; replaces phenylalanine 42 with leucine.
Molecular consequence: missense variant.
Genome position (GRCh38, 1-based): chrX:46,853,497, T>C. VCF-style: chrX-46853497-T-C. GRCh37 (hg19) VCF-style: chrX-46712932-T-C.
Other names: short protein forms F42L.
Identifiers: ClinVar variation 4704311 (VCV004704311.1).